The following is an entry in ClinVar:

ClinVar aggregate classification (germline): Uncertain significance (1 of 4 stars; one submission).

Conditions:
Brugada syndrome. Also called: Sudden Unexplained Death Syndrome; Sudden Unexplained Nocturnal Death Syndrome (SUNDS); Sudden unexpected nocturnal death syndrome; Sudden unexplained nocturnal death syndrome. Identifiers: Orphanet 130, MedGen C1142166, MONDO:0015263.

Allele frequency attached by ClinVar (database versions not stated): gnomAD exomes below 0.00001; ExAC 0.00001.
gnomAD v4.1: 1 of 1,614,060 alleles (0.000062%); highest among the groups gnomAD compares: Non-Finnish European, 0.000085%; no homozygotes.

Submission:

Labcorp Genetics (formerly Invitae), Labcorp
Classification: Uncertain significance for Brugada syndrome. Last evaluated: 2022-08-18. Review status: criteria provided, single submitter. Criteria: Invitae Variant Classification Sherloc (09022015). Collection method: clinical testing. Allele origin: germline.
Comment: In summary, the available evidence is currently insufficient to determine the role of this variant in disease. Therefore, it has been classified as a Variant of Uncertain Significance. Algorithms developed to predict the effect of missense changes on protein structure and function are either unavailable or do not agree on the potential impact of this missense change (SIFT: "Tolerated"; PolyPhen-2: "Possibly Damaging"; Align-GVGD: "Class C0"). This variant has not been reported in the literature in individuals affected with GPD1L-related conditions. This variant is present in population databases (rs762654723, gnomAD 0.0009%). This sequence change replaces alanine, which is neutral and non-polar, with glycine, which is neutral and non-polar, at codon 213 of the GPD1L protein (p.Ala213Gly).

NM_015141.4(GPD1L):c.638C>G (p.Ala213Gly)

Gene: GPD1L (glycerol-3-phosphate dehydrogenase 1 like; plus strand). Cytogenetic location: 3p22.3.
Variant type: single nucleotide variant.
Coding change: c.638C>G on transcript NM_015141.4 (MANE Select); coding-DNA position 638, C replaced by G.
Protein change: p.Ala213Gly; replaces alanine 213 with glycine.
Molecular consequence: missense variant.
Genome position (GRCh38, 1-based): chr3:32,158,895, C>G. VCF-style: chr3-32158895-C-G. GRCh37 (hg19) VCF-style: chr3-32200387-C-G.
Other names: short protein forms A213G.
Identifiers: ClinVar variation 1716644 (VCV001716644.5), dbSNP rs762654723, ClinGen allele CA2296716.